The following is an entry in ClinVar:

ClinVar aggregate classification (germline): Uncertain significance (1 of 4 stars; one submission).

Conditions:
Dilated cardiomyopathy 1JJ (CMD1JJ). Identifiers: Orphanet 154, MedGen C3808935, MONDO:0014095, OMIM 615235.

Allele frequency attached by ClinVar (database versions not stated): gnomAD 0.00001.
gnomAD v4.1: 6 of 1,613,674 alleles (0.00037%); highest among the groups gnomAD compares: Non-Finnish European, 0.00051%; no homozygotes.

Submission:

Labcorp Genetics (formerly Invitae), Labcorp
Classification: Uncertain significance for Dilated cardiomyopathy 1JJ. Last evaluated: 2025-04-11. Review status: criteria provided, single submitter. Criteria: Invitae Variant Classification Sherloc (09022015). Collection method: clinical testing. Allele origin: germline.
Comment: This sequence change replaces valine, which is neutral and non-polar, with phenylalanine, which is neutral and non-polar, at codon 1216 of the LAMA4 protein (p.Val1216Phe). This variant is not present in population databases (gnomAD no frequency). This variant has not been reported in the literature in individuals affected with LAMA4-related conditions. ClinVar contains an entry for this variant (Variation ID: 1021321). Invitae Evidence Modeling of protein sequence and biophysical properties (such as structural, functional, and spatial information, amino acid conservation, physicochemical variation, residue mobility, and thermodynamic stability) indicates that this missense variant is not expected to disrupt LAMA4 protein function with a negative predictive value of 80%. In summary, the available evidence is currently insufficient to determine the role of this variant in disease. Therefore, it has been classified as a Variant of Uncertain Significance.

NM_001105206.3(LAMA4):c.3667G>T (p.Val1223Phe)

Gene: LAMA4 (laminin subunit alpha 4; minus strand). Cytogenetic location: 6q21.
Variant type: single nucleotide variant.
Coding change: c.3667G>T on transcript NM_001105206.3 (MANE Select); coding-DNA position 3667, G replaced by T.
Protein change: p.Val1223Phe; replaces valine 1223 with phenylalanine.
Molecular consequence: missense variant.
Genome position (GRCh38, 1-based): chr6:112,133,378, C>A on the plus strand (G>T on the coding strand, the complement: LAMA4 is on the minus strand). VCF-style: chr6-112133378-C-A. GRCh37 (hg19) VCF-style: chr6-112454580-C-A.
Other names: c.3646G>T, p.Val1216Phe (NM_001105207.3, NM_002290.5); short protein forms V1216F, V1223F.
Identifiers: ClinVar variation 1021321 (VCV001021321.8), dbSNP rs781868927, ClinGen allele CA365375431.